The following is an entry in ClinVar:

ClinVar aggregate classification (germline): Pathogenic (0 of 4 stars; one submission).

Conditions:
Malignant tumor of breast. Also called: Malignant breast neoplasm; Cancer breast. Identifiers: MedGen C0006142, MONDO:0007254. Disease mechanism: loss of function.

Submission:

Department of Pathology and Laboratory Medicine, Sinai Health System
Classification: Pathogenic for Malignant tumor of breast. Review status: no assertion criteria provided. Collection method: clinical testing. Allele origin: unknown. Affected: yes. Observed: 2 variant alleles. Study: The Canadian Open Genetics Repository (COGR).
Comment: The BRCA1 c.5075-?_5277+?del variant (chr17.hg19.g. 41209140-?_41215974+?del) results in a deletion exons 18-20, although the precise breakpoints of this deletion were not determined, nor were the effects of this variant on the resulting mRNA or protein product determined. The variant was not identified in any databases searched, including HGMD, UMD, COSMIC, LOVD and ClinVar. This variant was not identified in the literature at the DNA level, but was listed at the RNA level as an alternative splicing event by a contributor to a study by Columbo (2014) (Supplementary Table 3). However, the information from this study does not contribute to assessing the variantâ€šÃ„Ã´s pathogenicity; in addition, the authors note that this alteration was not validated by sequence evidence or confirmation by a second lab. The alteration is predicted to result in a truncated or absent protein and loss of function. Loss of function variants of the BRCA1 gene are an established mechanism of disease in hereditary breast and ovarian cancer and is the type of variant expected to cause the disorder. In summary, based on the above information, this variant meets our laboratoryâ€šÃ„Ã´s criteria to be classified as pathogenic.

NM_007294.4(BRCA1):c.5194-119_5277+3del

Gene: BRCA1 (BRCA1 DNA repair associated; minus strand). Cytogenetic location: 17q21.31.
Variant type: Deletion.
Coding change: c.5194-119_5277+3del on transcript NM_007294.4 (MANE Select); 119 bases into the intron before coding-DNA position 5194 through 3 bases into the intron after coding-DNA position 5277, 206 bases deleted.
Molecular consequence: splice acceptor variant, splice donor variant.
Genome position (GRCh38, 1-based): chr17:43,057,049-43,057,254, 206 bases deleted. GRCh37 (hg19): chr17:41,209,066-41,209,271.
Other names: c.1675-119_1758+3del (NM_001408479.1, NM_001408478.1, NM_001408480.1); c.5185-119_5268+3del (NM_001407644.1, NM_001407645.1); c.1501-119_1584+3del (NM_001408511.1); c.4981-119_5064+3del (NM_001407910.1, NM_001407904.1, NM_001407896.1 and 12 more transcripts); c.5188-119_5271+3del (NM_001407627.1, NM_001407861.1, NM_001407635.1 and 14 more transcripts); c.4927-119_5010+3del (NM_001407933.1, NM_001407927.1, NM_001407929.1 and 4 more transcripts); c.1744-119_1827+3del (NM_001408457.1, NM_001408455.1, NM_001408454.1 and 3 more transcripts); c.5053-119_5136+3del (NM_001407692.1, NM_001407725.1, NM_001407727.1 and 13 more transcripts); and 72 more.
Identifiers: ClinVar variation 1050026 (VCV001050026.2), dbSNP rs2153352800, ClinGen allele CA2499224363.